The following is an entry in ClinVar:

ClinVar aggregate classification (germline): Likely benign. Review status: criteria provided, multiple submitters, no conflicts (2 of 4 stars). 6 submissions from 6 submitters: Likely benign (6). Last evaluated 2024-12-06.

Conditions:
Hereditary cancer-predisposing syndrome. Also called: Neoplastic Syndromes, Hereditary; Hereditary neoplastic syndrome; Tumor predisposition; Hereditary Cancer Syndrome. Identifiers: Orphanet 140162, MedGen C0027672, MeSH D009386, MONDO:0015356.
Breast-ovarian cancer, familial, susceptibility to, 2 (BROVCA2). Also called: BRCA2 Hereditary Breast and Ovarian Cancer. Identifiers: Orphanet 145, MedGen C2675520, MONDO:0012933, OMIM 612555. Disease mechanism: loss of function.
Hereditary breast ovarian cancer syndrome. Also called: Hereditary breast and ovarian cancer; Breast and ovarian cancer; BRCA1- and BRCA2-Associated Hereditary Breast and Ovarian Cancer; Hereditary breast and ovarian cancer syndrome (HBOC); Hereditary breast and/or ovarian cancer syndrome; Hereditary breast and ovarian cancer syndrome. Identifiers: Orphanet 145, MedGen C0677776, MeSH D061325, MONDO:0003582. Disease mechanism: loss of function.

Allele frequency attached by ClinVar (database versions not stated): gnomAD 0.00001; TOPMed 0.00001.

Submissions (6):

Women's Health and Genetics/Laboratory Corporation of America, LabCorp
Classification: Likely benign. Last evaluated: 2024-12-06. Review status: criteria provided, single submitter. Criteria: LabCorp Variant Classification Summary - May 2015. Collection method: clinical testing. Allele origin: germline.

All of Us Research Program, National Institutes of Health
Classification: Likely benign for Breast-ovarian cancer, familial, susceptibility to, 2. Last evaluated: 2023-08-15. Review status: criteria provided, single submitter. Criteria: ACMG Guidelines, 2015. Collection method: clinical testing. Allele origin: germline. Inheritance: Autosomal dominant inheritance. Observed: 1 variant allele, 1 heterozygote.
Comment: This study involves interpretation of variants in research participants for the purpose of population health screening. Participant phenotype was not available at the time of variant classification. Additional details can be found in publication PMID: 35346344, PMCID: PMC8962531

Labcorp Genetics (formerly Invitae), Labcorp
Classification: Likely benign for Hereditary breast ovarian cancer syndrome. Last evaluated: 2023-01-19. Review status: criteria provided, single submitter. Criteria: Invitae Variant Classification Sherloc (09022015). Collection method: clinical testing. Allele origin: germline.

Ambry Genetics
Classification: Likely benign for Hereditary cancer-predisposing syndrome. Last evaluated: 2018-08-14. Review status: criteria provided, single submitter. Criteria: Ambry Variant Classification Scheme 2023. Collection method: clinical testing. Allele origin: germline.

GeneDx
Classification: Likely benign. Last evaluated: 2017-12-08. Review status: criteria provided, single submitter. Criteria: GeneDx Variant Classification (06012015). Collection method: clinical testing. Allele origin: germline. Affected: yes.
Comment: This variant is considered likely benign or benign based on one or more of the following criteria: it is a conservative change, it occurs at a poorly conserved position in the protein, it is predicted to be benign by multiple in silico algorithms, and/or has population frequency not consistent with disease.

Color Diagnostics, LLC DBA Color Health
Classification: Likely benign for Hereditary cancer-predisposing syndrome. Last evaluated: 2017-03-16. Review status: criteria provided, single submitter. Criteria: ACMG Guidelines, 2015. Collection method: clinical testing. Allele origin: germline.

NM_000059.4(BRCA2):c.4251T>C (p.Asn1417=)

Gene: BRCA2 (BRCA2 DNA repair associated; plus strand). Cytogenetic location: 13q13.1.
Variant type: single nucleotide variant.
Coding change: c.4251T>C on transcript NM_000059.4 (MANE Select); coding-DNA position 4251, T replaced by C.
Protein change: p.Asn1417=; no amino-acid change (asparagine 1417 retained).
Molecular consequence: synonymous variant.
Genome position (GRCh38, 1-based): chr13:32,338,606, T>C. VCF-style: chr13-32338606-T-C. GRCh37 (hg19) VCF-style: chr13-32912743-T-C.
Identifiers: ClinVar variation 389722 (VCV000389722.18), dbSNP rs1057523517, ClinGen allele CA16606682.